The following is an entry in ClinVar:

ClinVar aggregate classification (germline): Uncertain significance. Review status: criteria provided, multiple submitters, no conflicts (2 of 4 stars). 3 submissions from 3 submitters: Uncertain significance (3). Last evaluated 2026-01-11.

Conditions:
Inborn genetic diseases. Identifiers: MedGen C0950123, MeSH D030342.
SAMD9-related disorder. Also called: SAMD9-related condition.

Allele frequency attached by ClinVar (database versions not stated): ExAC 0.00002; gnomAD 0.00001; TOPMed 0.00001; ESP Exome Variant Server 0.00008; gnomAD exomes 0.00001.
gnomAD v4.1: 7 of 1,613,866 alleles (0.00043%); highest among the groups gnomAD compares: Non-Finnish European, 0.00059%; no homozygotes.

Submissions (3):

Labcorp Genetics (formerly Invitae), Labcorp
Classification: Uncertain significance. Last evaluated: 2026-01-11. Review status: criteria provided, single submitter. Criteria: Invitae Variant Classification Sherloc (09022015). Collection method: clinical testing. Allele origin: germline.
Comment: This sequence change replaces proline, which is neutral and non-polar, with arginine, which is basic and polar, at codon 120 of the SAMD9 protein (p.Pro120Arg). This variant is present in population databases (rs146592813, gnomAD 0.003%). This variant has not been reported in the literature in individuals affected with SAMD9-related conditions. ClinVar contains an entry for this variant (Variation ID: 2628770). Invitae Evidence Modeling of protein sequence and biophysical properties (such as structural, functional, and spatial information, amino acid conservation, physicochemical variation, residue mobility, and thermodynamic stability) indicates that this missense variant is not expected to disrupt SAMD9 protein function with a negative predictive value of 95%. In summary, the available evidence is currently insufficient to determine the role of this variant in disease. Therefore, it has been classified as a Variant of Uncertain Significance.

Ambry Genetics
Classification: Uncertain significance for Inborn genetic diseases. Last evaluated: 2024-12-02. Review status: criteria provided, single submitter. Criteria: Ambry Variant Classification Scheme 2023. Collection method: clinical testing. Allele origin: germline.
Comment: The p.P120R variant (also known as c.359C>G), located in coding exon 1 of the SAMD9 gene, results from a C to G substitution at nucleotide position 359. The proline at codon 120 is replaced by arginine, an amino acid with dissimilar properties. This amino acid position is conserved. In addition, this alteration is predicted to be tolerated by in silico analysis. Based on the available evidence, the clinical significance of this variant remains unclear.

PreventionGenetics, part of Exact Sciences
Classification: Uncertain significance for SAMD9-related condition. Last evaluated: 2023-02-06. Review status: criteria provided, single submitter. Criteria: ACMG Guidelines, 2015. Collection method: clinical testing. Allele origin: germline.
Comment: The SAMD9 c.359C>G variant is predicted to result in the amino acid substitution p.Pro120Arg. To our knowledge, this variant has not been reported in the literature. This variant is reported in 0.0026% of alleles in individuals of European (Non-Finnish) descent in gnomAD. At this time, the clinical significance of this variant is uncertain due to the absence of conclusive functional and genetic evidence.

NM_017654.4(SAMD9):c.359C>G (p.Pro120Arg)

Gene: SAMD9 (sterile alpha motif domain containing 9; minus strand). Cytogenetic location: 7q21.2.
Variant type: single nucleotide variant.
Coding change: c.359C>G on transcript NM_017654.4 (MANE Select); coding-DNA position 359, C replaced by G.
Protein change: p.Pro120Arg; replaces proline 120 with arginine.
Molecular consequence: missense variant.
Genome position (GRCh38, 1-based): chr7:93,105,739, G>C on the plus strand (C>G on the coding strand, the complement: SAMD9 is on the minus strand). VCF-style: chr7-93105739-G-C. GRCh37 (hg19) VCF-style: chr7-92735052-G-C.
Other names: c.359C>G, p.Pro120Arg (NM_001193307.2); short protein forms P120R.
Identifiers: ClinVar variation 2628770 (VCV002628770.5), dbSNP rs146592813, ClinGen allele CA4343158.
Genomic context (GRCh38, chr7:93,105,739, plus strand): 5'-ACTTTTAGTGACTTAGAACCTTTAGCAGTTGTACTCATTGCAGACGGATTAGCCATATCT[G>C]GGTTCTCTTTACCCTTTTGTTTTTGCTTTGAAGTTTCTCTACGTTCCTTTTGAGACACAG-3'
Protein context (NP_060124.2, residues 110-130): SKQKQKGKEN[Pro120Arg]DMANPSAMST